The following is an entry in ClinVar:

NM_016553.5(NUP62):c.296T>C (p.Leu99Ser)

Genes: IL4I1 (interleukin 4 induced 1; minus strand), NUP62 (nucleoporin 62; minus strand). Cytogenetic location: 19q13.33.
Variant type: single nucleotide variant.
Coding change: c.296T>C on transcript NM_016553.5 (MANE Select); coding-DNA position 296, T replaced by C.
Protein change: p.Leu99Ser; replaces leucine 99 with serine.
Molecular consequence: missense variant. On other transcripts: intron variant (3).
Genome position (GRCh38, 1-based): chr19:49,909,512, A>G on the plus strand (T>C on the coding strand, the complement: NUP62 is on the minus strand). VCF-style: chr19-49909512-A-G. GRCh37 (hg19) VCF-style: chr19-50412769-A-G.
Other names: c.296T>C, p.Leu99Ser (NM_001193357.2, NM_012346.5, NM_153718.4 and 1 more transcripts); c.-227-5191T>C (NM_001258017.2, NM_172374.3); c.-285-5191T>C (NM_001258018.2); short protein forms L99S.
Identifiers: ClinVar variation 2434472 (VCV002434472.4), dbSNP rs1202628580, ClinGen allele CA406928029.

ClinVar aggregate classification (germline): Uncertain significance. Review status: criteria provided, multiple submitters, no conflicts (2 of 4 stars). 2 submissions from 2 submitters: Uncertain significance (2). Last evaluated 2025-10-31.

Conditions:
Familial infantile bilateral striatal necrosis (FBSN). Also called: BILATERAL STRIATAL NECROSIS, INFANTILE. Identifiers: Orphanet 225154, MedGen C4087174, MONDO:0010080, OMIM 271930.

Allele frequency attached by ClinVar (database versions not stated): gnomAD 0.00005; TOPMed 0.00004; gnomAD exomes below 0.00001.
gnomAD v4.1: 10 of 1,614,006 alleles (0.00062%); highest among the groups gnomAD compares: Admixed American, 0.017%; no homozygotes.

Submissions (2):

Labcorp Genetics (formerly Invitae), Labcorp
Classification: Uncertain significance. Last evaluated: 2025-10-31. Review status: criteria provided, single submitter. Criteria: Invitae Variant Classification Sherloc (09022015). Collection method: clinical testing. Allele origin: germline.
Comment: This sequence change replaces leucine, which is neutral and non-polar, with serine, which is neutral and polar, at codon 99 of the NUP62 protein (p.Leu99Ser). This variant is present in population databases (no rsID available, gnomAD 0.009%). This variant has not been reported in the literature in individuals affected with NUP62-related conditions. ClinVar contains an entry for this variant (Variation ID: 2434472). An algorithm developed to predict the effect of missense changes on protein structure and function (PolyPhen-2) suggests that this variant is likely to be disruptive. In summary, the available evidence is currently insufficient to determine the role of this variant in disease. Therefore, it has been classified as a Variant of Uncertain Significance.

Revvity Omics, Revvity
Classification: Uncertain significance for Familial infantile bilateral striatal necrosis. Last evaluated: 2019-08-09. Review status: criteria provided, single submitter. Criteria: ACMG Guidelines, 2015. Collection method: clinical testing. Allele origin: germline.